The following is an entry in ClinVar:

NM_033380.3(COL4A5):c.4529-1G>C

Gene: COL4A5 (collagen type IV alpha 5 chain; plus strand). Cytogenetic location: Xq22.3.
Variant type: single nucleotide variant.
Coding change: c.4529-1G>C on transcript NM_033380.3 (MANE Select); the canonical splice acceptor site of the intron before coding-DNA position 4529, G replaced by C.
Molecular consequence: splice acceptor variant.
Genome position (GRCh38, 1-based): chrX:108,692,747, G>C. VCF-style: chrX-108692747-G-C. GRCh37 (hg19) VCF-style: chrX-107935977-G-C.
Other names: c.4511-1G>C (NM_000495.5).
Identifiers: ClinVar variation 2681732 (VCV002681732.2), dbSNP rs2524645713.

ClinVar aggregate classification (germline): Pathogenic (1 of 4 stars; one submission).

Conditions:
X-linked Alport syndrome (ATS1). Also called: NEPHROPATHY AND DEAFNESS, X-LINKED; COL4A5-Related Nephropathy. Identifiers: Orphanet 63, Orphanet 88917, MedGen C4746986, MONDO:0010520, OMIM 301050.

Submission:

Precision Medicine Center, Zhengzhou University
Classification: Pathogenic for X-linked Alport syndrome. Last evaluated: 2023-12-01. Review status: criteria provided, single submitter. Criteria: ACMG Guidelines, 2015. Collection method: clinical testing. Allele origin: maternal. Affected: yes.
Comment: PVS1,PM2_p,PP4